The following is an entry in ClinVar:

NM_001164508.2(NEB):c.23140C>T (p.Arg7714Ter)

Genes: NEB (nebulin; minus strand), RIF1 (replication timing regulatory factor 1; plus strand). Cytogenetic location: 2q23.3.
Variant type: single nucleotide variant.
Coding change: c.23140C>T on transcript NM_001164508.2 (MANE Select); coding-DNA position 23140, C replaced by T.
Protein change: p.Arg7714Ter; replaces arginine 7714 with a stop codon.
Molecular consequence: nonsense.
Genome position (GRCh38, 1-based): chr2:151,513,681, G>A on the plus strand (C>T on the coding strand, the complement: NEB is on the minus strand). VCF-style: chr2-151513681-G-A. GRCh37 (hg19) VCF-style: chr2-152370195-G-A.
Other names: c.23140C>T, p.Arg7714Ter (NM_001164507.2); c.23245C>T, p.Arg7749Ter (NM_001271208.2); c.18037C>T, p.Arg6013Ter (NM_004543.5); short protein forms R7714*, R6013*, R7749*.
Identifiers: ClinVar variation 801764 (VCV000801764.14), dbSNP rs1575714905, ClinGen allele CA348751942.
Genomic context (GRCh38, chr2:151,513,681, plus strand): 5'-CCGGAGTTTCATTGGCCATGGCATTCAGGCCTCTTCCTTTGACTTCCAGTTCCAGGTCTC[G>A]CTTATATTCTTTCTATAGTAGCATTAAAAGAAAAAAAAAAGGTACCTAAATGCTACTACT-3'

ClinVar aggregate classification (germline): Pathogenic. Review status: criteria provided, multiple submitters, no conflicts (2 of 4 stars). 7 submissions from 7 submitters: Pathogenic (7). Last evaluated 2026-07-28.

Conditions:
Nemaline myopathy 2 (NEM2). Also called: Nemaline myopathy 2, autosomal recessive. Identifiers: MedGen C1850569, MONDO:0009725, OMIM 256030.
Arthrogryposis multiplex congenita 6. Identifiers: MedGen C5543431, MONDO:0030281, OMIM 619334.
Nemaline myopathy. Also called: Myopathies, Nemaline. Identifiers: Orphanet 607, MedGen C0206157, MONDO:0018958.

Allele frequency attached by ClinVar (database versions not stated): gnomAD exomes below 0.00001.
gnomAD v4.1: 2 of 1,599,508 alleles (0.00013%); highest among the groups gnomAD compares: Non-Finnish European, 0.00017%; no homozygotes.

Submissions (7):

Institute of Human Genetics, University of Leipzig Medical Center
Classification: Pathogenic for Nemaline myopathy 2. Last evaluated: 2026-07-28. Review status: criteria provided, single submitter. Criteria: ACMG Guidelines, 2015. Collection method: clinical testing. Allele origin: paternal. Inheritance: Autosomal recessive inheritance. Affected: yes.
Comment: Criteria applied: PVS1,PM2_SUP,PM3_SUP

Myriad Genetics, Inc.
Classification: Pathogenic for Nemaline myopathy 2. Last evaluated: 2025-08-13. Review status: criteria provided, single submitter. Criteria: Myriad Autosomal Dominant, Autosomal Recessive and X-Linked Classification Criteria (2023). Collection method: clinical testing. Allele origin: unknown.
Comment: NM_001271208.1(NEB):c.23245C>T(R7749*) is a nonsense variant classified as pathogenic in the context of NEB-related nemaline myopathy. R7749* has been observed in cases with relevant disease (PMID: 25205138, 36714460, 29669168). Relevant functional assessments of this variant are not available in the literature. R7749* has not been observed in referenced population frequency databases. In summary, NM_001271208.1(NEB):c.23245C>T(R7749*) is a nonsense variant in a gene where loss of function is a known mechanism of disease, is predicted to disrupt protein function, and has been observed more frequently in cases with the relevant disease than in healthy populations. Please note: this variant was assessed in the context of healthy population screening.

Women's Health and Genetics/Laboratory Corporation of America, LabCorp
Classification: Pathogenic for Nemaline myopathy. Last evaluated: 2024-12-06. Review status: criteria provided, single submitter. Criteria: LabCorp Variant Classification Summary - May 2015. Collection method: clinical testing. Allele origin: germline.
Comment: Variant summary: NEB c.23245C>T (p.Arg7749X) results in a premature termination codon, predicted to cause absence of the protein due to nonsense mediated decay, which is a commonly known mechanism for disease. The variant was absent in 223630 control chromosomes. c.23245C>T has been reported in the literature in individuals (compound heterozygous and heterozygous) affected with Nemaline Myopathy 2 (Lehtokari_2006, MokLee_2017). These data indicate that the variant is associated with disease. To our knowledge, no experimental evidence demonstrating an impact on protein function has been reported. However, modified Gomori trichrome staining of the biopsied muscle from a patient who was compound heterozygous for the variant of interest showed characteristic nemaline bodies (Mok Lee_2017). The following publications have been ascertained in the context of this evaluation (PMID: 16917880, 29246625). ClinVar contains an entry for this variant (Variation ID: 801764). Based on the evidence outlined above, the variant was classified as pathogenic.

Neuberg Centre For Genomic Medicine, NCGM
Classification: Pathogenic for Nemaline myopathy 2. Last evaluated: 2024-02-01. Review status: criteria provided, single submitter. Criteria: ACMG Guidelines, 2015. Collection method: clinical testing. Allele origin: germline. Inheritance: Autosomal recessive inheritance.
Comment: The stop gained variant c.23140C>T (p.Arg7714Ter) in the NEB gene has been reported in individuals affected with nemaline myopathy. This variant is predicted to cause loss of normal protein function through protein truncation. Loss of function variants has been previously reported to be disease causing. For these reasons, this variant has been classified as Pathogenic. In the absence of another reportable variant, the molecular diagnosis is not confirmed.

Labcorp Genetics (formerly Invitae), Labcorp
Classification: Pathogenic for Nemaline myopathy 2. Last evaluated: 2024-01-24. Review status: criteria provided, single submitter. Criteria: Invitae Variant Classification Sherloc (09022015). Collection method: clinical testing. Allele origin: germline.
Comment: This sequence change creates a premature translational stop signal (p.Arg7749*) in the NEB gene. It is expected to result in an absent or disrupted protein product. Loss-of-function variants in NEB are known to be pathogenic (PMID: 25205138). This variant is not present in population databases (gnomAD no frequency). This premature translational stop signal has been observed in individual(s) with Nemaline myopathy (PMID: 16917880, 29669168). This variant is also known as p.Arg6013*. ClinVar contains an entry for this variant (Variation ID: 801764). For these reasons, this variant has been classified as Pathogenic.

Baylor Genetics
Classification: Pathogenic for Arthrogryposis multiplex congenita 6. Last evaluated: 2023-02-24. Review status: criteria provided, single submitter. Criteria: ACMG Guidelines, 2015. Collection method: clinical testing. Allele origin: unknown.

Mendelics
Classification: Pathogenic for Nemaline myopathy 2. Last evaluated: 2019-05-28. Review status: criteria provided, single submitter. Criteria: Mendelics Assertion Criteria 2017. Collection method: clinical testing. Allele origin: unknown.

Literature cited by the submitters: PubMed 25205138 (cited by Myriad Genetics, Inc. and Labcorp Genetics (formerly Invitae), Labcorp); PubMed 29669168 (cited by Myriad Genetics, Inc. and Labcorp Genetics (formerly Invitae), Labcorp); PubMed 36714460 (cited by Myriad Genetics, Inc.); PubMed 16917880 (cited by Women's Health and Genetics/Laboratory Corporation of America, LabCorp and Labcorp Genetics (formerly Invitae), Labcorp); PubMed 29246625 (cited by Women's Health and Genetics/Laboratory Corporation of America, LabCorp).